The following is an entry in ClinVar:

ClinVar aggregate classification (germline): Pathogenic. Review status: criteria provided, multiple submitters, no conflicts (2 of 4 stars). 4 submissions from 4 submitters: Pathogenic (4). Last evaluated 2023-04-10.

Conditions:
Duchenne muscular dystrophy (DMD). Also called: Duchenne Muscular Dystrophy (DMD); MUSCULAR DYSTROPHY, PSEUDOHYPERTROPHIC PROGRESSIVE, DUCHENNE TYPE. Identifiers: Orphanet 98896, MedGen C0013264, MONDO:0010679, OMIM 310200.

Submissions (4):

GeneDx
Classification: Pathogenic. Last evaluated: 2023-04-10. Review status: criteria provided, single submitter. Criteria: GeneDx Variant Classification Process June 2021. Collection method: clinical testing. Allele origin: germline. Affected: yes.
Comment: Not observed at significant frequency in large population cohorts (gnomAD); Canonical splice site variant predicted to result in a null allele in a gene for which loss-of-function is a known mechanism of disease; This variant is associated with the following publications: (PMID: 28859693, 20485447)

Labcorp Genetics (formerly Invitae), Labcorp
Classification: Pathogenic for Duchenne muscular dystrophy. Last evaluated: 2022-08-23. Review status: criteria provided, single submitter. Criteria: Invitae Variant Classification Sherloc (09022015). Collection method: clinical testing. Allele origin: germline.
Comment: This sequence change affects an acceptor splice site in intron 58 of the DMD gene. It is expected to disrupt RNA splicing. Variants that disrupt the donor or acceptor splice site typically lead to a loss of protein function (PMID: 16199547), and loss-of-function variants in DMD are known to be pathogenic (PMID: 16770791, 25007885). This variant is not present in population databases (gnomAD no frequency). For these reasons, this variant has been classified as Pathogenic. Algorithms developed to predict the effect of sequence changes on RNA splicing suggest that this variant may disrupt the consensus splice site. ClinVar contains an entry for this variant (Variation ID: 289992). Disruption of this splice site has been observed in individual(s) with DMD-related conditions (PMID: 20485447, 28859693).

Revvity Omics, Revvity
Classification: Pathogenic. Last evaluated: 2022-06-28. Review status: criteria provided, single submitter. Criteria: ACMG Guidelines, 2015. Collection method: clinical testing. Allele origin: germline.

Eurofins Ntd Llc (ga)
Classification: Pathogenic. Last evaluated: 2017-06-14. Review status: criteria provided, single submitter. Criteria: EGL Classification Definitions 2015. Collection method: clinical testing. Allele origin: germline. Observed: 1 variant allele, 1 hemizygote.

Literature cited by the submitters: PubMed 16199547 (cited by Labcorp Genetics (formerly Invitae), Labcorp); PubMed 16770791 (cited by Labcorp Genetics (formerly Invitae), Labcorp); PubMed 25007885 (cited by Labcorp Genetics (formerly Invitae), Labcorp); PubMed 20485447 (cited by Labcorp Genetics (formerly Invitae), Labcorp); PubMed 28859693 (cited by Labcorp Genetics (formerly Invitae), Labcorp).

NM_004006.3(DMD):c.8669-1G>C

Gene: DMD (dystrophin; minus strand). Cytogenetic location: Xp21.2.
Variant type: single nucleotide variant.
Coding change: c.8669-1G>C on transcript NM_004006.3 (MANE Select); the canonical splice acceptor site of the intron before coding-DNA position 8669, G replaced by C.
Molecular consequence: splice acceptor variant.
Genome position (GRCh38, 1-based): chrX:31,478,375, C>G on the plus strand (G>C on the coding strand, the complement: DMD is on the minus strand). VCF-style: chrX-31478375-C-G. GRCh37 (hg19) VCF-style: chrX-31496492-C-G.
Other names: c.8645-1G>C (NM_000109.4); c.4646-1G>C (NM_004011.4); c.4637-1G>C (NM_004012.4); c.1289-1G>C (NM_004023.3, NM_004020.4, NM_004022.3 and 2 more transcripts); c.482-1G>C (NM_004014.3); c.8657-1G>C (NM_004009.3); c.8300-1G>C (NM_004010.3).
Identifiers: ClinVar variation 289992 (VCV000289992.13), dbSNP rs886044324, ClinGen allele CA10606618.